The following is an entry in ClinVar:

ClinVar aggregate classification (germline): Uncertain significance (1 of 4 stars; one submission).

Submission:

Labcorp Genetics (formerly Invitae), Labcorp
Classification: Uncertain significance. Last evaluated: 2022-11-01. Review status: criteria provided, single submitter. Criteria: Invitae Variant Classification Sherloc (09022015). Collection method: clinical testing. Allele origin: germline.
Comment: This sequence change replaces serine, which is neutral and polar, with tyrosine, which is neutral and polar, at codon 293 of the SCN3A protein (p.Ser293Tyr). This variant is not present in population databases (gnomAD no frequency). This variant has not been reported in the literature in individuals affected with SCN3A-related conditions. Advanced modeling of protein sequence and biophysical properties (such as structural, functional, and spatial information, amino acid conservation, physicochemical variation, residue mobility, and thermodynamic stability) performed at Invitae indicates that this missense variant is not expected to disrupt SCN3A protein function. In summary, the available evidence is currently insufficient to determine the role of this variant in disease. Therefore, it has been classified as a Variant of Uncertain Significance.

NM_006922.4(SCN3A):c.878C>A (p.Ser293Tyr)

Gene: SCN3A (sodium voltage-gated channel alpha subunit 3; minus strand). Cytogenetic location: 2q24.3.
Variant type: single nucleotide variant.
Coding change: c.878C>A on transcript NM_006922.4 (MANE Select); coding-DNA position 878, C replaced by A.
Protein change: p.Ser293Tyr; replaces serine 293 with tyrosine.
Molecular consequence: missense variant.
Genome position (GRCh38, 1-based): chr2:165,162,645, G>T on the plus strand (C>A on the coding strand, the complement: SCN3A is on the minus strand). VCF-style: chr2-165162645-G-T. GRCh37 (hg19) VCF-style: chr2-166019155-G-T.
Other names: c.878C>A, p.Ser293Tyr (NM_001081676.2, NM_001081677.2); short protein forms S293Y.
Identifiers: ClinVar variation 2050682 (VCV002050682.4), dbSNP rs2468476644, ClinGen allele CA349239049.
Genomic context (GRCh38, chr2:165,162,645, plus strand): 5'-AATGTGCTCATTGTTACATTAACAAATGTCCCATTTGAATCCATTGTGCCATTAAAGTAG[G>T]AAGTGGTGTTGGTTTCAAAAGCAGAATCGCTTGGGGGCCACTGCAAACATTTATTCCTCA-3'
Protein context (NP_008853.3, residues 283-303): SDSAFETNTT[Ser293Tyr]YFNGTMDSNG